The following is an entry in ClinVar:

NM_001039958.2(MESP2):c.907C>G (p.Leu303Val)

Gene: MESP2 (mesoderm posterior bHLH transcription factor 2; plus strand). Cytogenetic location: 15q26.1.
Variant type: single nucleotide variant.
Coding change: c.907C>G on transcript NM_001039958.2 (MANE Select); coding-DNA position 907, C replaced by G.
Protein change: p.Leu303Val; replaces leucine 303 with valine.
Molecular consequence: missense variant.
Genome position (GRCh38, 1-based): chr15:89,777,264, C>G. VCF-style: chr15-89777264-C-G. GRCh37 (hg19) VCF-style: chr15-90320495-C-G.
Other names: short protein forms L303V.
Identifiers: ClinVar variation 1424966 (VCV001424966.3), dbSNP rs200440405, ClinGen allele CA7730528.
Genomic context (GRCh38, chr15:89,777,264, plus strand): 5'-TCGTCCCCAGAGCCCCGGAACCCACCAGTGCCCTGGACGGCGGCCCCAGCAACTTTGGAG[C>G]TGGCCGCAGTGTACCAGGTATGTGTGGAGGCCCTTGCTGTGTTCCCCAGCCTCCAGTCTG-3'
Protein context (NP_001035047.1, residues 293-313): PWTAAPATLE[Leu303Val]AAVYQGLSVS

ClinVar aggregate classification (germline): Uncertain significance (1 of 4 stars; one submission).

Allele frequency attached by ClinVar (database versions not stated): TOPMed below 0.00001; gnomAD 0.00001; gnomAD exomes 0.00001 and 0.00003; ExAC 0.00003; 1000 Genomes Project 30x 0.00016; 1000 Genomes Project 0.00020.
gnomAD v4.1: 13 of 1,610,922 alleles (0.00081%); highest among the groups gnomAD compares: Middle Eastern, 0.066%; no homozygotes.

Submission:

Labcorp Genetics (formerly Invitae), Labcorp
Classification: Uncertain significance. Last evaluated: 2022-07-19. Review status: criteria provided, single submitter. Criteria: Invitae Variant Classification Sherloc (09022015). Collection method: clinical testing. Allele origin: germline.
Comment: This sequence change replaces leucine, which is neutral and non-polar, with valine, which is neutral and non-polar, at codon 303 of the MESP2 protein (p.Leu303Val). This variant is present in population databases (rs200440405, gnomAD 0.003%). This variant has not been reported in the literature in individuals affected with MESP2-related conditions. ClinVar contains an entry for this variant (Variation ID: 1424966). Algorithms developed to predict the effect of missense changes on protein structure and function output the following: SIFT: "Tolerated"; PolyPhen-2: "Possibly Damaging"; Align-GVGD: "Class C0". The valine amino acid residue is found in multiple mammalian species, which suggests that this missense change does not adversely affect protein function. Algorithms developed to predict the effect of sequence changes on RNA splicing suggest that this variant may create or strengthen a splice site. In summary, the available evidence is currently insufficient to determine the role of this variant in disease. Therefore, it has been classified as a Variant of Uncertain Significance.